The following is an entry in ClinVar:

ClinVar aggregate classification (germline): Pathogenic (1 of 4 stars; one submission).

Conditions:
Autosomal recessive limb-girdle muscular dystrophy type 2L (LGMDR12). Also called: Limb-girdle muscular dystrophy, type 2L; MUSCULAR DYSTROPHY, LIMB-GIRDLE, AUTOSOMAL RECESSIVE 12; Limb-Girdle Muscular Dystrophy R12 Anoctamin-5-Related (LGMD-R12). Identifiers: Orphanet 206549, MedGen C1969785, MONDO:0012652, OMIM 611307.
Gnathodiaphyseal dysplasia (GDD). Also called: OSTEOGENESIS IMPERFECTA WITH UNUSUAL SKELETAL LESIONS; GNATHODIAPHYSEAL SCLEROSIS. Identifiers: Orphanet 53697, MedGen C1833736, MONDO:0008151, OMIM 166260.

Submission:

Labcorp Genetics (formerly Invitae), Labcorp
Classification: Pathogenic for Autosomal recessive limb-girdle muscular dystrophy type 2L; Gnathodiaphyseal dysplasia. Last evaluated: 2022-06-20. Review status: criteria provided, single submitter. Criteria: Invitae Variant Classification Sherloc (09022015). Collection method: clinical testing. Allele origin: germline.
Comment: This variant is a gross deletion of the genomic region encompassing exon(s) 13-22 of the ANO5 gene, which includes the termination codon. This deletion extends beyond the assayed region for this gene and therefore may encompass additional genes. While this deletion is not anticipated to lead to nonsense mediated decay, it is expected to alter mRNA translation or result in a truncated protein product. This variant has not been reported in the literature in individuals affected with ANO5-related conditions. This variant disrupts a region of the ANO5 protein in which other variant(s) (p.His841Asp) have been determined to be pathogenic (PMID: 24022920, 31395899, 32403337). This suggests that this is a clinically significant region of the protein, and that variants that disrupt it are likely to be disease-causing. For these reasons, this variant has been classified as Pathogenic.

Literature cited by the submitters: PubMed 24022920; PubMed 31395899; PubMed 32403337.

NC_000011.9:g.(?_22276907)_(22301321_?)del

Gene: ANO5 (anoctamin 5; plus strand). Cytogenetic location: 11p14.3.
Variant type: Deletion.
Identifiers: ClinVar variation 1066105 (VCV001066105.2).